The following is an entry in ClinVar:

NM_014141.6(CNTNAP2):c.2942T>C (p.Leu981Pro)

Genes: CNTNAP2 (contactin associated protein 2; plus strand), LOC126860216 (BRD4-independent group 4 enhancer GRCh37_chr7:147868766-147869965; plus strand). Cytogenetic location: 7q35.
Variant type: single nucleotide variant.
Coding change: c.2942T>C on transcript NM_014141.6 (MANE Select); coding-DNA position 2942, T replaced by C.
Protein change: p.Leu981Pro; replaces leucine 981 with proline.
Molecular consequence: missense variant.
Genome position (GRCh38, 1-based): chr7:148,172,410, T>C. VCF-style: chr7-148172410-T-C. GRCh37 (hg19) VCF-style: chr7-147869502-T-C.
Other names: short protein forms L981P.
Identifiers: ClinVar variation 1472731 (VCV001472731.8), dbSNP rs1187753598, ClinGen allele CA369928665.

ClinVar aggregate classification (germline): Uncertain significance (1 of 4 stars; one submission).

Conditions:
Cortical dysplasia-focal epilepsy syndrome (PTHSL1). Also called: Pitt-Hopkins-like syndrome 1. Identifiers: Orphanet 163681, Orphanet 221150, MedGen C2750246, MONDO:0012400, OMIM 610042.

Allele frequency attached by ClinVar (database versions not stated): gnomAD exomes below 0.00001 and 0.00001.
gnomAD v4.1: 8 of 1,614,146 alleles (0.0005%); highest among the groups gnomAD compares: Admixed American, 0.0017%; no homozygotes.

Submission:

Labcorp Genetics (formerly Invitae), Labcorp
Classification: Uncertain significance for Cortical dysplasia-focal epilepsy syndrome. Last evaluated: 2021-04-19. Review status: criteria provided, single submitter. Criteria: Invitae Variant Classification Sherloc (09022015). Collection method: clinical testing. Allele origin: germline.
Comment: In summary, the available evidence is currently insufficient to determine the role of this variant in disease. Therefore, it has been classified as a Variant of Uncertain Significance. Algorithms developed to predict the effect of missense changes on protein structure and function are either unavailable or do not agree on the potential impact of this missense change (SIFT: "Deleterious"; PolyPhen-2: "Benign"; Align-GVGD: "Class C25"). This variant has not been reported in the literature in individuals with CNTNAP2-related conditions. This variant is not present in population databases (ExAC no frequency). This sequence change replaces leucine with proline at codon 981 of the CNTNAP2 protein (p.Leu981Pro). The leucine residue is weakly conserved and there is a moderate physicochemical difference between leucine and proline.